The following is an entry in ClinVar:

NM_001142800.2(EYS):c.6061C>T (p.Leu2021Phe)

Gene: EYS (EGF-like photoreceptor maintenance factor; minus strand). Cytogenetic location: 6q12.
Variant type: single nucleotide variant.
Coding change: c.6061C>T on transcript NM_001142800.2 (MANE Select); coding-DNA position 6061, C replaced by T.
Protein change: p.Leu2021Phe; replaces leucine 2021 with phenylalanine.
Molecular consequence: missense variant.
Genome position (GRCh38, 1-based): chr6:64,388,707, G>A on the plus strand (C>T on the coding strand, the complement: EYS is on the minus strand). VCF-style: chr6-64388707-G-A. GRCh37 (hg19) VCF-style: chr6-65098600-G-A.
Other names: c.6061C>T, p.Leu2021Phe (NM_001292009.2); short protein forms L2021F.
Identifiers: ClinVar variation 1508680 (VCV001508680.6), dbSNP rs2150424923, ClinGen allele CA364391979.

ClinVar aggregate classification (germline): Uncertain significance. Review status: criteria provided, multiple submitters, no conflicts (2 of 4 stars). 2 submissions from 2 submitters: Uncertain significance (2). Last evaluated 2021-09-04.

Submissions (2):

Labcorp Genetics (formerly Invitae), Labcorp
Classification: Uncertain significance. Last evaluated: 2021-09-04. Review status: criteria provided, single submitter. Criteria: Invitae Variant Classification Sherloc (09022015). Collection method: clinical testing. Allele origin: germline.
Comment: This variant has not been reported in the literature in individuals affected with EYS-related conditions. This sequence change replaces leucine with phenylalanine at codon 2021 of the EYS protein (p.Leu2021Phe). The leucine residue is moderately conserved and there is a small physicochemical difference between leucine and phenylalanine. This variant is not present in population databases (ExAC no frequency). Algorithms developed to predict the effect of missense changes on protein structure and function are either unavailable or do not agree on the potential impact of this missense change (SIFT: "Tolerated"; PolyPhen-2: "Possibly Damaging"; Align-GVGD: "Class C0"). In summary, the available evidence is currently insufficient to determine the role of this variant in disease. Therefore, it has been classified as a Variant of Uncertain Significance.

Blueprint Genetics
Classification: Uncertain significance. Last evaluated: 2018-02-27. Review status: criteria provided, single submitter. Criteria: ACMG Guidelines, 2015. Collection method: clinical testing. Allele origin: germline.